The following is an entry in ClinVar:

ClinVar aggregate classification (germline): Uncertain significance (1 of 4 stars; one submission).

gnomAD v4.1: 1 of 1,536,242 alleles (0.000065%); highest among the groups gnomAD compares: Non-Finnish European, 0.000089%; no homozygotes.

Submission:

Labcorp Genetics (formerly Invitae), Labcorp
Classification: Uncertain significance. Last evaluated: 2022-02-02. Review status: criteria provided, single submitter. Criteria: Invitae Variant Classification Sherloc (09022015). Collection method: clinical testing. Allele origin: germline.
Comment: This sequence change replaces histidine, which is basic and polar, with tyrosine, which is neutral and polar, at codon 4712 of the PCLO protein (p.His4712Tyr). This variant is not present in population databases (gnomAD no frequency). This variant has not been reported in the literature in individuals affected with PCLO-related conditions. Algorithms developed to predict the effect of missense changes on protein structure and function are either unavailable or do not agree on the potential impact of this missense change (SIFT: "Deleterious"; PolyPhen-2: "Not Available"; Align-GVGD: "Class C0"). In summary, the available evidence is currently insufficient to determine the role of this variant in disease. Therefore, it has been classified as a Variant of Uncertain Significance.

NM_033026.6(PCLO):c.14134C>T (p.His4712Tyr)

Gene: PCLO (piccolo presynaptic cytomatrix protein; minus strand). Cytogenetic location: 7q21.11.
Variant type: single nucleotide variant.
Coding change: c.14134C>T on transcript NM_033026.6 (MANE Select); coding-DNA position 14134, C replaced by T.
Protein change: p.His4712Tyr; replaces histidine 4712 with tyrosine.
Molecular consequence: missense variant.
Genome position (GRCh38, 1-based): chr7:82,838,306, G>A on the plus strand (C>T on the coding strand, the complement: PCLO is on the minus strand). VCF-style: chr7-82838306-G-A. GRCh37 (hg19) VCF-style: chr7-82467622-G-A.
Other names: c.14134C>T, p.His4712Tyr (NM_014510.3); short protein forms H4712Y.
Identifiers: ClinVar variation 1435964 (VCV001435964.8), dbSNP rs2115759568, ClinGen allele CA367878435.